The following is an entry in ClinVar:

ClinVar aggregate classification (germline): Uncertain significance (1 of 4 stars; one submission).

gnomAD v4.1: 5 of 1,612,926 alleles (0.00031%); highest among the groups gnomAD compares: Non-Finnish European, 0.00042%; no homozygotes.

Submission:

Labcorp Genetics (formerly Invitae), Labcorp
Classification: Uncertain significance. Last evaluated: 2024-07-16. Review status: criteria provided, single submitter. Criteria: Invitae Variant Classification Sherloc (09022015). Collection method: clinical testing. Allele origin: germline.
Comment: This sequence change replaces isoleucine, which is neutral and non-polar, with threonine, which is neutral and polar, at codon 626 of the CAMK2B protein (p.Ile626Thr). This variant is present in population databases (rs771083993, gnomAD 0.002%). This variant has not been reported in the literature in individuals affected with CAMK2B-related conditions. An algorithm developed to predict the effect of missense changes on protein structure and function (PolyPhen-2) suggests that this variant¬†is likely to be tolerated. In summary, the available evidence is currently insufficient to determine the role of this variant in disease. Therefore, it has been classified as a Variant of Uncertain Significance.

NM_001220.5(CAMK2B):c.1877T>C (p.Ile626Thr)

Gene: CAMK2B (calcium/calmodulin dependent protein kinase II beta; minus strand). Cytogenetic location: 7p13.
Variant type: single nucleotide variant.
Coding change: c.1877T>C on transcript NM_001220.5 (MANE Select); coding-DNA position 1877, T replaced by C.
Protein change: p.Ile626Thr; replaces isoleucine 626 with threonine.
Molecular consequence: missense variant.
Genome position (GRCh38, 1-based): chr7:44,220,186, A>G on the plus strand (T>C on the coding strand, the complement: CAMK2B is on the minus strand). VCF-style: chr7-44220186-A-G. GRCh37 (hg19) VCF-style: chr7-44259785-A-G.
Other names: c.1505T>C, p.Ile502Thr (NM_001293170.2, NM_172078.3); c.1433T>C, p.Ile478Thr (NM_172079.3); c.1430T>C, p.Ile477Thr (NM_172080.3); c.1388T>C, p.Ile463Thr (NM_172081.3); c.1355T>C, p.Ile452Thr (NM_172082.3); c.1316T>C, p.Ile439Thr (NM_172083.3); c.1226T>C, p.Ile409Thr (NM_172084.3); short protein forms I463T, I439T, I477T, I626T, I409T, I452T, I478T, I502T.
Identifiers: ClinVar variation 3718830 (VCV003718830.1).